The following is an entry in ClinVar:

NM_025179.4(PLXNA2):c.4433C>T (p.Thr1478Met)

Gene: PLXNA2 (plexin A2; minus strand). Cytogenetic location: 1q32.2.
Variant type: single nucleotide variant.
Coding change: c.4433C>T on transcript NM_025179.4 (MANE Select); coding-DNA position 4433, C replaced by T.
Protein change: p.Thr1478Met; replaces threonine 1478 with methionine.
Molecular consequence: missense variant.
Genome position (GRCh38, 1-based): chr1:208,039,688, G>A on the plus strand (C>T on the coding strand, the complement: PLXNA2 is on the minus strand). VCF-style: chr1-208039688-G-A. GRCh37 (hg19) VCF-style: chr1-208213033-G-A.
Other names: short protein forms T1478M.
Identifiers: ClinVar variation 2634847 (VCV002634847.5), dbSNP rs375437589, ClinGen allele CA1372886.

ClinVar aggregate classification (germline): Uncertain significance. Review status: criteria provided, multiple submitters, no conflicts (2 of 4 stars). 3 submissions from 3 submitters: Uncertain significance (3). Last evaluated 2024-11-26.

Conditions:
PLXNA2-related disorder. Also called: PLXNA2-related condition.

Allele frequency attached by ClinVar (database versions not stated): ExAC 0.00001; gnomAD 0.00002; TOPMed 0.00003; ESP Exome Variant Server 0.00008.
gnomAD v4.1: 47 of 1,614,108 alleles (0.0029%); highest among the groups gnomAD compares: Non-Finnish European, 0.0036%; no homozygotes.

Submissions (3):

Ambry Genetics
Classification: Uncertain significance. Last evaluated: 2024-11-26. Review status: criteria provided, single submitter. Criteria: Ambry Variant Classification Scheme 2023. Collection method: clinical testing. Allele origin: germline.

PreventionGenetics, part of Exact Sciences
Classification: Uncertain significance for PLXNA2-related condition. Last evaluated: 2023-06-26. Review status: criteria provided, single submitter. Criteria: ACMG Guidelines, 2015. Collection method: clinical testing. Allele origin: germline.
Comment: The PLXNA2 c.4433C>T variant is predicted to result in the amino acid substitution p.Thr1478Met. To our knowledge, this variant has not been reported in the literature. This variant is reported in 0.0035% of alleles in individuals of European (Non-Finnish) descent in gnomAD. At this time, the clinical significance of this variant is uncertain due to the absence of conclusive functional and genetic evidence.

Labcorp Genetics (formerly Invitae), Labcorp
Classification: Uncertain significance. Last evaluated: 2023-06-06. Review status: criteria provided, single submitter. Criteria: Invitae Variant Classification Sherloc (09022015). Collection method: clinical testing. Allele origin: germline.
Comment: This sequence change replaces threonine, which is neutral and polar, with methionine, which is neutral and non-polar, at codon 1478 of the PLXNA2 protein (p.Thr1478Met). This variant is present in population databases (rs375437589, gnomAD 0.004%). This variant has not been reported in the literature in individuals affected with PLXNA2-related conditions. Advanced modeling of protein sequence and biophysical properties (such as structural, functional, and spatial information, amino acid conservation, physicochemical variation, residue mobility, and thermodynamic stability) has been performed at Invitae for this missense variant, however the output from this modeling did not meet the statistical confidence thresholds required to predict the impact of this variant on PLXNA2 protein function. In summary, the available evidence is currently insufficient to determine the role of this variant in disease. Therefore, it has been classified as a Variant of Uncertain Significance.